The following is an entry in ClinVar:

NM_000038.6(APC):c.3721G>A (p.Gly1241Ser)

Gene: APC (APC regulator of Wnt signaling pathway; plus strand). Cytogenetic location: 5q22.2.
Variant type: single nucleotide variant.
Coding change: c.3721G>A on transcript NM_000038.6 (MANE Select); coding-DNA position 3721, G replaced by A.
Protein change: p.Gly1241Ser; replaces glycine 1241 with serine.
Molecular consequence: missense variant.
Genome position (GRCh38, 1-based): chr5:112,839,315, G>A. VCF-style: chr5-112839315-G-A. GRCh37 (hg19) VCF-style: chr5-112175012-G-A.
Other names: c.3721G>A, p.Gly1241Ser (NM_001127510.3, NM_001354895.2); c.3667G>A, p.Gly1223Ser (NM_001127511.3); c.3775G>A, p.Gly1259Ser (NM_001354896.2); c.3751G>A, p.Gly1251Ser (NM_001354897.2); c.3646G>A, p.Gly1216Ser (NM_001354898.2); c.3637G>A, p.Gly1213Ser (NM_001354899.2); c.3598G>A, p.Gly1200Ser (NM_001354900.2); c.3544G>A, p.Gly1182Ser (NM_001354901.2); and 5 more; short protein forms G1223S, G1241S, G958S, G1081S, G1115S, G1182S, G1200S, G1259S.
Identifiers: ClinVar variation 619768 (VCV000619768.4), dbSNP rs1561587077, ClinGen allele CA16029497.
Genomic context (GRCh38, chr5:112,839,315, plus strand): 5'-CCTTCATCTAATGCCAAGAGGCAGAATCAGCTCCATCCAAGTTCTGCACAGAGTAGAAGT[G>A]GTCAGCCTCAAAAGGCTGCCACTTGCAAAGTTTCTTCTATTAACCAAGAAACAATACAGA-3'
Protein context (NP_000029.2, residues 1231-1251): LHPSSAQSRS[Gly1241Ser]QPQKAATCKV

ClinVar aggregate classification (germline): Uncertain significance. Review status: criteria provided, multiple submitters, no conflicts (2 of 4 stars). 2 submissions from 2 submitters: Uncertain significance (2). Last evaluated 2024-03-06.

Conditions:
Hereditary cancer-predisposing syndrome. Also called: Neoplastic Syndromes, Hereditary; Hereditary neoplastic syndrome; Tumor predisposition; Hereditary Cancer Syndrome. Identifiers: Orphanet 140162, MedGen C0027672, MeSH D009386, MONDO:0015356.

Allele frequency attached by ClinVar (database versions not stated): gnomAD exomes below 0.00001.
gnomAD v4.1: 1 of 1,613,568 alleles (0.000062%); highest among the groups gnomAD compares: Non-Finnish European, 0.000085%; no homozygotes.

Submissions (2):

Color Diagnostics, LLC DBA Color Health
Classification: Uncertain significance for Hereditary cancer-predisposing syndrome. Last evaluated: 2024-03-06. Review status: criteria provided, single submitter. Criteria: ACMG Guidelines, 2015. Collection method: clinical testing. Allele origin: germline.
Comment: This missense variant replaces glycine with serine at codon 1241 of the APC protein. Computational prediction suggests that this variant may not impact protein structure and function (internally defined REVEL score threshold <= 0.5, PMID: 27666373). To our knowledge, functional studies have not been reported for this variant. This variant has not been reported in individuals affected with hereditary cancer in the literature. This variant has not been identified in the general population by the Genome Aggregation Database (gnomAD). The available evidence is insufficient to determine the role of this variant in disease conclusively. Therefore, this variant is classified as a Variant of Uncertain Significance.

Quest Diagnostics Nichols Institute San Juan Capistrano
Classification: Uncertain significance. Last evaluated: 2018-06-26. Review status: criteria provided, single submitter. Criteria: Quest Diagnostics criteria. Collection method: clinical testing. Allele origin: germline.